The following is an entry in ClinVar:

ClinVar aggregate classification (germline): Uncertain significance (1 of 4 stars; one submission).

gnomAD v4.1: 12 of 1,210,364 alleles (0.00099%); highest among the groups gnomAD compares: Non-Finnish European, 0.0013%; no homozygotes.

Submission:

GeneDx
Classification: Uncertain significance. Last evaluated: 2025-07-21. Review status: criteria provided, single submitter. Criteria: GeneDx Variant Classification Process June 2021. Collection method: clinical testing. Allele origin: germline. Affected: yes.
Comment: Not observed at significant frequency in large population cohorts (gnomAD); In silico analysis suggests that this missense variant does not alter protein structure/function; Has not been previously published as pathogenic or benign to our knowledge

NM_000132.4(F8):c.28T>C (p.Phe10Leu)

Gene: F8 (coagulation factor VIII; minus strand). Cytogenetic location: Xq28.
Variant type: single nucleotide variant.
Coding change: c.28T>C on transcript NM_000132.4 (MANE Select); coding-DNA position 28, T replaced by C.
Protein change: p.Phe10Leu; replaces phenylalanine 10 with leucine.
Molecular consequence: missense variant.
Genome position (GRCh38, 1-based): chrX:155,022,525, A>G on the plus strand (T>C on the coding strand, the complement: F8 is on the minus strand). VCF-style: chrX-155022525-A-G. GRCh37 (hg19) VCF-style: chrX-154250800-A-G.
Other names: short protein forms F10L.
Identifiers: ClinVar variation 4686998 (VCV004686998.1).